The following is an entry in ClinVar:

NM_206926.2(SELENON):c.436-3C>T

Gene: SELENON (selenoprotein N; plus strand). Cytogenetic location: 1p36.11.
Variant type: single nucleotide variant.
Coding change: c.436-3C>T on transcript NM_206926.2 (MANE Select); 3 bases into the intron before coding-DNA position 436, C replaced by T.
Molecular consequence: intron variant.
Genome position (GRCh38, 1-based): chr1:25,808,577, C>T. VCF-style: chr1-25808577-C-T. GRCh37 (hg19) VCF-style: chr1-26135068-C-T.
Other names: c.538-3C>T (NM_020451.3).
Identifiers: ClinVar variation 643597 (VCV000643597.8), dbSNP rs1572232433, ClinGen allele CA915941180.

ClinVar aggregate classification (germline): Uncertain significance (1 of 4 stars; one submission).

Conditions:
Eichsfeld type congenital muscular dystrophy (CMYO3). Also called: Rigid spine muscular dystrophy 1; MYOPATHY, SEPN1-RELATED; SELENON-related myopathy; Congenital myopathy 3 with rigid spine. Identifiers: MedGen C0410180, MONDO:0100100, OMIM 602771.

Submission:

Labcorp Genetics (formerly Invitae), Labcorp
Classification: Uncertain significance for Eichsfeld type congenital muscular dystrophy. Last evaluated: 2022-06-04. Review status: criteria provided, single submitter. Criteria: Invitae Variant Classification Sherloc (09022015). Collection method: clinical testing. Allele origin: germline.
Comment: In summary, the available evidence is currently insufficient to determine the role of this variant in disease. Therefore, it has been classified as a Variant of Uncertain Significance. Variants that disrupt the consensus splice site are a relatively common cause of aberrant splicing (PMID: 17576681, 9536098). Algorithms developed to predict the effect of sequence changes on RNA splicing suggest that this variant is not likely to affect RNA splicing. ClinVar contains an entry for this variant (Variation ID: 643597). This variant has not been reported in the literature in individuals affected with SELENON-related conditions. This variant is not present in population databases (gnomAD no frequency). This sequence change falls in intron 4 of the SELENON gene. It does not directly change the encoded amino acid sequence of the SELENON protein. It affects a nucleotide within the consensus splice site.

Literature cited by the submitters: PubMed 17576681; PubMed 9536098.